The following is an entry in ClinVar:

ClinVar aggregate classification (germline): Uncertain significance (1 of 4 stars; one submission).

Submission:

Ambry Genetics
Classification: Uncertain significance. Last evaluated: 2026-06-15. Review status: criteria provided, single submitter. Criteria: Ambry Variant Classification Scheme 2023. Collection method: clinical testing. Allele origin: germline.
Comment: The c.415G>A (p.E139K) alteration is located in exon 1 (coding exon 1) of the FAM47C gene. This alteration results from a G to A substitution at nucleotide position 415, causing the glutamic acid (E) at amino acid position 139 to be replaced by a lysine (K). Based on data from gnomAD, the A allele has an overall frequency of <0.001% (1/183212) total alleles studied. The highest observed frequency was 0.008% (1/13160) of African alleles. Based on insufficient or conflicting evidence, the clinical significance of this alteration remains unclear.

NM_001013736.3(FAM47C):c.415G>A (p.Glu139Lys)

Gene: FAM47C (family with sequence similarity 47 member C; plus strand). Cytogenetic location: Xp21.1.
Variant type: single nucleotide variant.
Coding change: c.415G>A on transcript NM_001013736.3 (MANE Select); coding-DNA position 415, G replaced by A.
Protein change: p.Glu139Lys; replaces glutamic acid 139 with lysine.
Molecular consequence: missense variant.
Genome position (GRCh38, 1-based): chrX:37,008,825, G>A. VCF-style: chrX-37008825-G-A. GRCh37 (hg19) VCF-style: chrX-37026898-G-A.
Other names: short protein forms E139K.
Identifiers: ClinVar variation 5036291 (VCV005036291.1).
Genomic context (GRCh38, chrX:37,008,825, plus strand): 5'-GAGGAAGTGGAAGCCCAGCTGATGACCAAGCATCCCTTGGCCATGTACCCCAATCTGGGA[G>A]AAGATATGCCTCCAGATCTCCTACTACAGGTACTGAAACCGCTGGACCCTGAGAGGAAGC-3'
Protein context (NP_001013758.1, residues 129-149): HPLAMYPNLG[Glu139Lys]DMPPDLLLQV